The following is an entry in ClinVar:

NM_000719.7(CACNA1C):c.6344G>A (p.Gly2115Asp)

Genes: CACNA1C (calcium voltage-gated channel subunit alpha1 C; plus strand), CACNA1C-AS1 (CACNA1C antisense RNA 1; minus strand). Cytogenetic location: 12p13.33.
Variant type: single nucleotide variant.
Coding change: c.6344G>A on transcript NM_000719.7 (MANE Select); coding-DNA position 6344, G replaced by A.
Protein change: p.Gly2115Asp; replaces glycine 2115 with aspartic acid.
Molecular consequence: missense variant. On other transcripts: non-coding transcript variant (1).
Genome position (GRCh38, 1-based): chr12:2,691,126, G>A. VCF-style: chr12-2691126-G-A. GRCh37 (hg19) VCF-style: chr12-2800292-G-A.
Other names: c.6488G>A, p.Gly2163Asp (NM_001129827.2); c.6467G>A, p.Gly2156Asp (NM_001129829.2); c.6449G>A, p.Gly2150Asp (NM_001129830.3, NM_001167624.3); c.6428G>A, p.Gly2143Asp (NM_001129831.2); c.6404G>A, p.Gly2135Asp (NM_001129832.2); c.6401G>A, p.Gly2134Asp (NM_001129833.2, NM_001129834.2, NM_001129835.2); c.6395G>A, p.Gly2132Asp (NM_001129836.2); c.6368G>A, p.Gly2123Asp (NM_001129837.2, NM_001129838.2); and 6 more; short protein forms G2115D, G2163D, G2150D, G2121D, G2132D, G2134D, G2135D, G2143D.
Identifiers: ClinVar variation 576846 (VCV000576846.12), dbSNP rs199694744, ClinGen allele CA383387467.

ClinVar aggregate classification (germline): Uncertain significance. Review status: criteria provided, multiple submitters, no conflicts (2 of 4 stars). 3 submissions from 3 submitters: Uncertain significance (3). Last evaluated 2024-12-30.

Conditions:
Cardiovascular phenotype. Identifiers: MedGen CN230736.
Long QT syndrome (LQTS). Identifiers: MedGen C0023976, MeSH D008133, MONDO:0002442. Disease mechanism: loss of function. Inheritance: Various modes of inheritance.

Allele frequency attached by ClinVar (database versions not stated): TOPMed 0.00002.
gnomAD v4.1: 4 of 1,608,994 alleles (0.00025%); highest among the groups gnomAD compares: African/African-American, 0.004%; no homozygotes.

Submissions (3):

Women's Health and Genetics/Laboratory Corporation of America, LabCorp
Classification: Uncertain significance. Last evaluated: 2024-12-30. Review status: criteria provided, single submitter. Criteria: LabCorp Variant Classification Summary - May 2015. Collection method: clinical testing. Allele origin: germline.
Comment: Variant summary: CACNA1C c.6344G>A (p.Gly2115Asp) results in a non-conservative amino acid change located in the voltage-gated calcium channel subunit alpha, C-terminal domian (IPR031688) of the encoded protein sequence. Four of five in-silico tools predict a benign effect of the variant on protein function. The variant was absent in 244886 control chromosomes. The available data on variant occurrences in the general population are insufficient to allow any conclusion about variant significance. To our knowledge, no occurrence of c.6344G>A in individuals affected with Timothy Syndrome and no experimental evidence demonstrating its impact on protein function have been reported. ClinVar contains an entry for this variant (Variation ID: 576846). Based on the evidence outlined above, the variant was classified as uncertain significance.

Labcorp Genetics (formerly Invitae), Labcorp
Classification: Uncertain significance for Long QT syndrome. Last evaluated: 2024-06-04. Review status: criteria provided, single submitter. Criteria: Invitae Variant Classification Sherloc (09022015). Collection method: clinical testing. Allele origin: germline.
Comment: This sequence change replaces glycine, which is neutral and non-polar, with aspartic acid, which is acidic and polar, at codon 2115 of the CACNA1C protein (p.Gly2115Asp). This variant is not present in population databases (gnomAD no frequency). This variant has not been reported in the literature in individuals affected with CACNA1C-related conditions. ClinVar contains an entry for this variant (Variation ID: 576846). Advanced modeling of protein sequence and biophysical properties (such as structural, functional, and spatial information, amino acid conservation, physicochemical variation, residue mobility, and thermodynamic stability) performed at Invitae indicates that this missense variant is not expected to disrupt CACNA1C protein function with a negative predictive value of 95%. In summary, the available evidence is currently insufficient to determine the role of this variant in disease. Therefore, it has been classified as a Variant of Uncertain Significance.

Ambry Genetics
Classification: Uncertain significance for Cardiovascular phenotype. Last evaluated: 2022-10-04. Review status: criteria provided, single submitter. Criteria: Ambry Variant Classification Scheme 2023. Collection method: clinical testing. Allele origin: germline.
Comment: The p.G2115D variant (also known as c.6344G>A), located in coding exon 47 of the CACNA1C gene, results from a G to A substitution at nucleotide position 6344. The glycine at codon 2115 is replaced by aspartic acid, an amino acid with similar properties. This amino acid position is poorly conserved in available vertebrate species. In addition, this alteration is predicted to be tolerated by in silico analysis. Since supporting evidence is limited at this time, the clinical significance of this alteration remains unclear.